The following is an entry in ClinVar:

ClinVar aggregate classification (germline): Uncertain significance (1 of 4 stars; one submission).

Conditions:
Hereditary cancer-predisposing syndrome. Also called: Neoplastic Syndromes, Hereditary; Tumor predisposition; Hereditary neoplastic syndrome; Hereditary Cancer Syndrome. Identifiers: Orphanet 140162, MedGen C0027672, MeSH D009386, MONDO:0015356.

Submission:

Ambry Genetics
Classification: Uncertain significance for Hereditary cancer-predisposing syndrome. Last evaluated: 2026-07-02. Review status: criteria provided, single submitter. Criteria: Ambry Variant Classification Scheme 2023. Collection method: clinical testing. Allele origin: germline.
Comment: The p.L1070R variant (also known as c.3209T>G), located in coding exon 12 of the PALB2 gene, results from a T to G substitution at nucleotide position 3209. The leucine at codon 1070 is replaced by arginine, an amino acid with dissimilar properties. This amino acid position is conserved. In addition, the in silico prediction for this alteration is inconclusive. Based on the available evidence, the clinical significance of this variant remains unclear.

NM_024675.4(PALB2):c.3209T>G (p.Leu1070Arg)

Gene: PALB2 (partner and localizer of BRCA2; minus strand). Cytogenetic location: 16p12.2.
Variant type: single nucleotide variant.
Coding change: c.3209T>G on transcript NM_024675.4 (MANE Select); coding-DNA position 3209, T replaced by G.
Protein change: p.Leu1070Arg; replaces leucine 1070 with arginine.
Molecular consequence: missense variant. On other transcripts: intron variant (8).
Genome position (GRCh38, 1-based): chr16:23,608,005, A>C on the plus strand (T>G on the coding strand, the complement: PALB2 is on the minus strand). VCF-style: chr16-23608005-A-C. GRCh37 (hg19) VCF-style: chr16-23619326-A-C.
Other names: c.3047T>G, p.Leu1016Arg (NM_001407298.1); c.2930T>G, p.Leu977Arg (NM_001407300.1); c.2324T>G, p.Leu775Arg (NM_001407304.1, NM_001407305.1, NM_001407306.1); c.3149T>G, p.Leu1050Arg (NM_001407296.1); c.3137T>G, p.Leu1046Arg (NM_001407297.1); c.3202-4336T>G (NM_001407301.1); c.2229-4336T>G (NM_001407309.1, NM_001407308.1); c.2317-4336T>G (NM_001407311.1, NM_001407310.1); and 6 more; short protein forms L1050R, L248R, L474R, L775R, L1046R, L1070R, L977R, L1016R.
Identifiers: ClinVar variation 5026149 (VCV005026149.1).
Genomic context (GRCh38, chr16:23,608,005, plus strand): 5'-AACACAGGGCTTCGCAACGACTCACTCTCTTTGGCACAGGGATGACTCAGGACAATAAAG[A>C]GAAGCCCCTAATTTCGGAGAAAAATAAATATCCCAAATAGACTGTCAAGAGTATGTCAGG-3'
Protein context (NP_078951.2, residues 1060-1080): CHKAYSEMGL[Leu1070Arg]FIVLSHPCAK